The following is an entry in ClinVar:

NM_000057.4(BLM):c.1475T>C (p.Phe492Ser)

Gene: BLM (BLM RecQ like helicase; plus strand). Cytogenetic location: 15q26.1.
Variant type: single nucleotide variant.
Coding change: c.1475T>C on transcript NM_000057.4 (MANE Select); coding-DNA position 1475, T replaced by C.
Protein change: p.Phe492Ser; replaces phenylalanine 492 with serine.
Molecular consequence: missense variant.
Genome position (GRCh38, 1-based): chr15:90,760,848, T>C. VCF-style: chr15-90760848-T-C. GRCh37 (hg19) VCF-style: chr15-91304078-T-C.
Other names: c.1475T>C, p.Phe492Ser (NM_001287246.2, NM_001287247.2); c.350T>C, p.Phe117Ser (NM_001287248.2); short protein forms F117S, F492S.
Identifiers: ClinVar variation 3824451 (VCV003824451.1).
Genomic context (GRCh38, chr15:90,760,848, plus strand): 5'-CCACCCTAGGAAAGACAGGATTCTCTGCCACCAGGAAGAATCTTTTTGAAAGGCCTTTAT[T>C]CAATACCCATTTACAGAAGTCCTTTGTAAGTAGCAACTGGGCTGAAACACCAAGACTAGG-3'
Protein context (NP_000048.1, residues 482-502): TRKNLFERPL[Phe492Ser]NTHLQKSFVS

ClinVar aggregate classification (germline): Uncertain significance (1 of 4 stars; one submission).

Conditions:
Hereditary cancer-predisposing syndrome. Also called: Hereditary neoplastic syndrome; Neoplastic Syndromes, Hereditary; Tumor predisposition; Hereditary Cancer Syndrome. Identifiers: Orphanet 140162, MedGen C0027672, MeSH D009386, MONDO:0015356.

Submission:

Ambry Genetics
Classification: Uncertain significance for Hereditary cancer-predisposing syndrome. Last evaluated: 2025-01-10. Review status: criteria provided, single submitter. Criteria: Ambry Variant Classification Scheme 2023. Collection method: clinical testing. Allele origin: germline.
Comment: The p.F492S variant (also known as c.1475T>C), located in coding exon 6 of the BLM gene, results from a T to C substitution at nucleotide position 1475. The phenylalanine at codon 492 is replaced by serine, an amino acid with highly dissimilar properties. This amino acid position is conserved. In addition, this alteration is predicted to be tolerated by in silico analysis. Based on the available evidence, the clinical significance of this variant remains unclear.